The following is an entry in ClinVar:

ClinVar aggregate classification (germline): Likely benign (0 of 4 stars; one submission).

Conditions:
KAT6B-related disorder. Also called: KAT6B-related disorders; KAT6B-related condition.

Submission:

PreventionGenetics, part of Exact Sciences
Classification: Likely benign for KAT6B-related condition. Last evaluated: 2022-12-09. Review status: no assertion criteria provided. Collection method: clinical testing. Allele origin: germline.
Comment: This variant is classified as likely benign based on ACMG/AMP sequence variant interpretation guidelines (Richards et al. 2015 PMID: 25741868, with internal and published modifications).

NM_012330.4(KAT6B):c.5169G>A (p.Gln1723=)

Gene: KAT6B (lysine acetyltransferase 6B; plus strand). Cytogenetic location: 10q22.2.
Variant type: single nucleotide variant.
Coding change: c.5169G>A on transcript NM_012330.4 (MANE Select); coding-DNA position 5169, G replaced by A.
Protein change: p.Gln1723=; no amino-acid change (glutamine 1723 retained).
Molecular consequence: synonymous variant.
Genome position (GRCh38, 1-based): chr10:75,029,993, G>A. VCF-style: chr10-75029993-G-A. GRCh37 (hg19) VCF-style: chr10-76789751-G-A.
Other names: c.4620G>A, p.Gln1540= (NM_001256468.2, NM_001370138.1); c.4293G>A, p.Gln1431= (NM_001256469.2, NM_001370139.1, NM_001370140.1 and 2 more transcripts); c.4131G>A, p.Gln1377= (NM_001370132.1); c.3480G>A, p.Gln1160= (NM_001370133.1); c.3084G>A, p.Gln1028= (NM_001370134.1); c.2826G>A, p.Gln942= (NM_001370135.1); c.5169G>A, p.Gln1723= (NM_001370136.1, NM_001370137.1); c.4104G>A, p.Gln1368= (NM_001370143.1, NM_001370144.1).
Identifiers: ClinVar variation 3054468 (VCV003054468.2), dbSNP rs2549208960, ClinGen allele CA470300641.